The following is an entry in ClinVar:

NM_000548.5(TSC2):c.4657G>T (p.Gly1553Cys)

Gene: TSC2 (TSC complex subunit 2; plus strand). Cytogenetic location: 16p13.3.
Variant type: single nucleotide variant.
Coding change: c.4657G>T on transcript NM_000548.5 (MANE Select); coding-DNA position 4657, G replaced by T.
Protein change: p.Gly1553Cys; replaces glycine 1553 with cysteine.
Molecular consequence: missense variant.
Genome position (GRCh38, 1-based): chr16:2,085,317, G>T. VCF-style: chr16-2085317-G-T. GRCh37 (hg19) VCF-style: chr16-2135318-G-T.
Other names: c.4456G>T, p.Gly1486Cys (NM_001077183.3); c.4588G>T, p.Gly1530Cys (NM_001114382.3); c.4348G>T, p.Gly1450Cys (NM_001318827.2); c.4312G>T, p.Gly1438Cys (NM_001318829.2); c.3925G>T, p.Gly1309Cys (NM_001318831.2); c.4489G>T, p.Gly1497Cys (NM_001318832.2); c.4459G>T, p.Gly1487Cys (NM_001363528.2); c.4525G>T, p.Gly1509Cys (NM_001370404.1); and 26 more; short protein forms G1038C, G1287C, G1309C, G1450C, G1487C, G1527C, G1530C, G952C.
Identifiers: ClinVar variation 1742213 (VCV001742213.3), dbSNP rs2151553804, ClinGen allele CA394305079.

ClinVar aggregate classification (germline): Uncertain significance (1 of 4 stars; one submission).

Conditions:
Hereditary cancer-predisposing syndrome. Also called: Neoplastic Syndromes, Hereditary; Tumor predisposition; Hereditary Cancer Syndrome; Hereditary neoplastic syndrome. Identifiers: Orphanet 140162, MedGen C0027672, MeSH D009386, MONDO:0015356.

Submission:

Ambry Genetics
Classification: Uncertain significance for Hereditary cancer-predisposing syndrome. Last evaluated: 2026-03-24. Review status: criteria provided, single submitter. Criteria: Ambry Variant Classification Scheme 2023. Collection method: clinical testing. Allele origin: germline.
Comment: The p.G1553C variant (also known as c.4657G>T), located in coding exon 35 of the TSC2 gene, results from a G to T substitution at nucleotide position 4657. The glycine at codon 1553 is replaced by cysteine, an amino acid with highly dissimilar properties. This amino acid position is highly conserved in available vertebrate species. In addition, this alteration is predicted to be deleterious by in silico analysis. Based on the available evidence, the clinical significance of this variant remains unclear.